The following is an entry in ClinVar:

ClinVar aggregate classification (germline): Likely pathogenic (1 of 4 stars; one submission).

Conditions:
Hypothyroidism due to TSH receptor mutations. Also called: Hypothyroidism, congenital, nongoitrous, 1; HYPOTHYROIDISM DUE TO UNRESPONSIVENESS TO THYROTROPIN; HYPOTHYROIDISM, CONGENITAL, DUE TO TSH RESISTANCE; HYPOTHYROIDISM, NONAUTOIMMUNE; THYROID-STIMULATING HORMONE, RESISTANCE TO; TSH RESISTANCE. Identifiers: Orphanet 90673, MedGen C3493776, MONDO:0010142, OMIM 275200.

gnomAD v4.1: 13 of 1,612,374 alleles (0.00081%); highest among the groups gnomAD compares: South Asian, 0.013%; no homozygotes.

Submission:

First Genomix Gene Laboratory, Genetic Diagnostics Department
Classification: Likely pathogenic for Hypothyroidism due to TSH receptor mutations. Last evaluated: 2025-09-09. Review status: criteria provided, single submitter. Criteria: ACMG Guidelines, 2015. Collection method: clinical testing. Allele origin: germline. Inheritance: Autosomal recessive inheritance. Affected: no. Observed: 1 variant allele.

NM_000369.5(TSHR):c.434C>T (p.Thr145Ile)

Genes: TSHR (thyroid stimulating hormone receptor; plus strand), TSHR-AS1 (TSHR antisense RNA 1; minus strand). Cytogenetic location: 14q31.1.
Variant type: single nucleotide variant.
Coding change: c.434C>T on transcript NM_000369.5 (MANE Select); coding-DNA position 434, C replaced by T.
Protein change: p.Thr145Ile; replaces threonine 145 with isoleucine.
Molecular consequence: missense variant.
Genome position (GRCh38, 1-based): chr14:81,091,110, C>T. VCF-style: chr14-81091110-C-T. GRCh37 (hg19) VCF-style: chr14-81557454-C-T.
Other names: c.434C>T, p.Thr145Ile (NM_001018036.3, NM_001142626.3); short protein forms T145I.
Identifiers: ClinVar variation 4850298 (VCV004850298.1).